The following is an entry in ClinVar:

ClinVar aggregate classification (germline): Uncertain significance (1 of 4 stars; one submission).

Submission:

GeneDx
Classification: Uncertain significance. Last evaluated: 2024-03-01. Review status: criteria provided, single submitter. Criteria: GeneDx Variant Classification Process June 2021. Collection method: clinical testing. Allele origin: germline. Affected: yes.
Comment: Frameshift variant predicted to result in protein truncation or nonsense mediated decay in a gene for which loss-of-function is not a known mechanism of disease; Not observed at significant frequency in large population cohorts (gnomAD); Has not been previously published as pathogenic or benign to our knowledge

NM_014915.3(ANKRD26):c.2743_2749del (p.Ser915fs)

Gene: ANKRD26 (ankyrin repeat domain containing 26; minus strand). Cytogenetic location: 10p12.1.
Variant type: Deletion.
Coding change: c.2743_2749del on transcript NM_014915.3 (MANE Select); coding-DNA positions 2743 to 2749, 7 bases deleted (AGCATGT; older notation c.2743_2749delAGCATGT).
Protein change: p.Ser915fs; shifts the reading frame from serine 915.
Molecular consequence: frameshift variant.
Genome position (GRCh38, 1-based): chr10:27,035,701-27,035,707, ACATGCT deleted on the plus strand (AGCATGT on the coding strand, the reverse complement: ANKRD26 is on the minus strand); deleting any 7 consecutive bases within chr10:27,035,701-27,035,708 gives the same sequence; the c. name uses the placement nearest the transcript's 3' end. VCF-style (leftmost placement, unchanged base first): chr10-27035700-AACATGCT-A. GRCh37 (hg19) VCF-style: chr10-27324629-AACATGCT-A.
Other names: c.2740_2746del, p.Ser914fs (NM_001256053.2); c.2742_2748delTAGCATG, p.Ser915Cysfs (NM_014915.2); short protein forms S914fs, S915fs.
Identifiers: ClinVar variation 3369745 (VCV003369745.1).